The following is an entry in ClinVar:

NM_001256545.2(MEGF10):c.622G>A (p.Gly208Arg)

Gene: MEGF10 (multiple EGF like domains 10; plus strand). Cytogenetic location: 5q23.2.
Variant type: single nucleotide variant.
Coding change: c.622G>A on transcript NM_001256545.2 (MANE Select); coding-DNA position 622, G replaced by A.
Protein change: p.Gly208Arg; replaces glycine 208 with arginine.
Molecular consequence: missense variant.
Genome position (GRCh38, 1-based): chr5:127,396,741, G>A. VCF-style: chr5-127396741-G-A. GRCh37 (hg19) VCF-style: chr5-126732433-G-A.
Other names: c.622G>A, p.Gly208Arg (NM_001308119.2, NM_001308121.2, NM_032446.3); short protein forms G208R.
Identifiers: ClinVar variation 2056945 (VCV002056945.4), dbSNP rs2479629962, ClinGen allele CA360719235.
Genomic context (GRCh38, chr5:127,396,741, plus strand): 5'-GGTAACGACTGTCATCAGAGATGCCAGTGCCAGAATGGAGCCACCTGCGACCACGTCACG[G>A]GGGAATGCCGCTGCCCACCAGGATACACCGGAGCCTTGTAAGTCACATGCTGCCCAGCAG-3'
Protein context (NP_001243474.1, residues 198-218): QNGATCDHVT[Gly208Arg]ECRCPPGYTG

ClinVar aggregate classification (germline): Uncertain significance (1 of 4 stars; one submission).

Conditions:
MEGF10-related myopathy (CMYO10A). Also called: Congenital myopathy 10A, severe variant. Identifiers: Orphanet 439212, MedGen C3280679, MONDO:0013731, OMIM 614399.

Submission:

Labcorp Genetics (formerly Invitae), Labcorp
Classification: Uncertain significance for MEGF10-related myopathy. Last evaluated: 2021-12-24. Review status: criteria provided, single submitter. Criteria: Invitae Variant Classification Sherloc (09022015). Collection method: clinical testing. Allele origin: germline.
Comment: In summary, the available evidence is currently insufficient to determine the role of this variant in disease. Therefore, it has been classified as a Variant of Uncertain Significance. Algorithms developed to predict the effect of missense changes on protein structure and function (SIFT, PolyPhen-2, Align-GVGD) all suggest that this variant is likely to be disruptive. This variant has not been reported in the literature in individuals affected with MEGF10-related conditions. This variant is not present in population databases (gnomAD no frequency). This sequence change replaces glycine, which is neutral and non-polar, with arginine, which is basic and polar, at codon 208 of the MEGF10 protein (p.Gly208Arg).